The following is an entry in ClinVar:

NM_001370298.3(FGD4):c.1390G>A (p.Val464Ile)

Gene: FGD4 (FYVE, RhoGEF and PH domain containing 4; plus strand). Cytogenetic location: 12p11.21.
Variant type: single nucleotide variant.
Coding change: c.1390G>A on transcript NM_001370298.3 (MANE Select); coding-DNA position 1390, G replaced by A.
Protein change: p.Val464Ile; replaces valine 464 with isoleucine.
Molecular consequence: missense variant. On other transcripts: 5 prime UTR variant (1).
Genome position (GRCh38, 1-based): chr12:32,602,303, G>A. VCF-style: chr12-32602303-G-A. GRCh37 (hg19) VCF-style: chr12-32755237-G-A.
Other names: c.1234G>A, p.Val412Ile (NM_001304481.2); c.235G>A, p.Val79Ile (NM_001304483.2); c.-73G>A (NM_001304484.2); c.700G>A, p.Val234Ile (NM_001330373.2, NM_001330374.2, NM_001384130.1); c.427G>A, p.Val143Ile (NM_001370297.1); c.1390G>A, p.Val464Ile (NM_001384126.1); c.979G>A, p.Val327Ile (NM_001384127.1, NM_001384128.1, NM_001385118.1 and 1 more transcripts); short protein forms V143I, V234I, V327I, V412I, V464I, V79I.
Identifiers: ClinVar variation 1014721 (VCV001014721.8), dbSNP rs2082190695, ClinGen allele CA384359024.

ClinVar aggregate classification (germline): Uncertain significance (1 of 4 stars; one submission).

Conditions:
Charcot-Marie-Tooth disease type 4. Also called: Charcot-Marie-Tooth disease, type IV; Charcot-Marie-Tooth, Type 4. Identifiers: Orphanet 64749, MedGen C4082197, MONDO:0018995.

Submission:

Labcorp Genetics (formerly Invitae), Labcorp
Classification: Uncertain significance for Charcot-Marie-Tooth disease type 4. Last evaluated: 2020-08-19. Review status: criteria provided, single submitter. Criteria: Invitae Variant Classification Sherloc (09022015). Collection method: clinical testing. Allele origin: germline.
Comment: This sequence change replaces valine with isoleucine at codon 327 of the FGD4 protein (p.Val327Ile). The valine residue is moderately conserved and there is a small physicochemical difference between valine and isoleucine. In summary, the available evidence is currently insufficient to determine the role of this variant in disease. Therefore, it has been classified as a Variant of Uncertain Significance. Algorithms developed to predict the effect of missense changes on protein structure and function output the following: SIFT: "Tolerated"; PolyPhen-2: "Benign"; Align-GVGD: "Class C0". The isoleucine amino acid residue is found in multiple mammalian species, suggesting that this missense change does not adversely affect protein function. These predictions have not been confirmed by published functional studies and their clinical significance is uncertain. This variant has not been reported in the literature in individuals with FGD4-related conditions. This variant is not present in population databases (ExAC no frequency).